The following is an entry in ClinVar:

ClinVar aggregate classification (germline): Likely pathogenic. Review status: criteria provided, multiple submitters, no conflicts (2 of 4 stars). 2 submissions from 2 submitters: Likely pathogenic (2). Last evaluated 2025-05-07.

Conditions:
Inborn genetic diseases. Identifiers: MedGen C0950123, MeSH D030342.
Snijders Blok-Campeau syndrome. Also called: INTELLECTUAL DEVELOPMENTAL DISORDER WITH MACROCEPHALY, SPEECH DELAY, AND DYSMORPHIC FACIES. Identifiers: Orphanet 599082, MedGen C4748701, MONDO:0032600, OMIM 618205.

Submissions (2):

Ambry Genetics
Classification: Likely pathogenic for Inborn genetic diseases. Last evaluated: 2025-05-07. Review status: criteria provided, single submitter. Criteria: Ambry Variant Classification Scheme 2023. Collection method: clinical testing. Allele origin: germline.
Comment: The c.5931G>A (p.P1977P) alteration is located in exon 38 (coding exon 38) of the CHD3 gene. This alteration consists of a G to A substitution at nucleotide position 5931. This nucleotide substitution does not change the proline at codon 1977. However, this change occurs in the last base pair of coding exon 38, which makes it likely to have some effect on normal mRNA splicing. This variant was not reported in population-based cohorts in the Genome Aggregation Database (gnomAD). This variant segregated with disease in at least one family with features consistent with Snijders Blok-Campeau syndrome (external communication). This nucleotide position is highly conserved in available vertebrate species. RNA studies have demonstrated that this alteration results in abnormal splicing in the set of samples tested (Ambry internal data). In silico splice site analysis for this alteration is inconclusive. Based on the available evidence, this alteration is classified as likely pathogenic.

Victorian Clinical Genetics Services, Murdoch Childrens Research Institute
Classification: Likely pathogenic for Snijders Blok-Campeau syndrome. Last evaluated: 2024-11-08. Review status: criteria provided, single submitter. Criteria: ACMG Guidelines, 2015. Collection method: clinical testing. Allele origin: germline. Affected: yes.
Comment: This variant is classified as Likely pathogenic. Evidence in support of pathogenic classification: Splice site variant proven to affect splicing of the transcript with a known effect on protein sequence. Splicing studies identified exon 38 skipping leading to a downstream premature termination codon, p.(Val1864Glyfs*123), resulting in a truncated protein affecting approximately 7% of the protein. Alternative transcripts, not as highly expressed, are predicted to result in p.(Val1864Glyfs*38) which is predicted to undergo nonsense-mediated decay (NMD) (Splicing Diagnostics, Kids Neuroscience Centre, NSW, Australia); Variant is absent from gnomAD (v2, v3 and v4). Additional information: This variant is heterozygous; This gene is associated with autosomal dominant disease; This variant has no previous evidence of pathogenicity; Segregation evidence for this variant is inconclusive. This variant has been identified in four individuals in this family with global developmental delay; Another protein truncating variant(s) comparable to the one identified in this case has inconclusive previous evidence for pathogenicity. p.(Arg1991*) has been classified as a VUS by a clinical laboratory in ClinVar and was identified in two unrelated individuals, one with hereditary intellectual disability who also harboured a VUS variant in another relevant gene, and one individual with no symptoms associated with intellectual disability (personal communication). It has also been reported in the literature in an individual with autism spectrum disorder, however, inheritance was unresolved (PMID: 30564305); Variant is predicted to truncate part of the CHDCT2 domain (DECIPHER); Loss of function and gain of function are known mechanisms of disease in this gene and are associated with Snijders Blok-Campeau syndrome (MIM#618205), however no clear genotype-phenotype correlations have been identified to determine how both overactivity and underactivity of CHD3 can result in the same phenotype (PMID: 32483341); Variants in this gene are known to have variable expressivity. Variable expressivity has been reported including inheritance from mildly affected parents (PMID: 35346573).

Literature cited by the submitters: PubMed 30564305 (cited by Victorian Clinical Genetics Services, Murdoch Childrens Research Institute); PubMed 32483341 (cited by Victorian Clinical Genetics Services, Murdoch Childrens Research Institute); PubMed 35346573 (cited by Victorian Clinical Genetics Services, Murdoch Childrens Research Institute).

NM_001005273.3(CHD3):c.5754G>A (p.Pro1918=)

Gene: CHD3 (chromodomain helicase DNA binding protein 3; plus strand). Cytogenetic location: 17p13.1.
Variant type: single nucleotide variant.
Coding change: c.5754G>A on transcript NM_001005273.3 (MANE Select); coding-DNA position 5754, G replaced by A.
Protein change: p.Pro1918=; no amino-acid change (proline 1918 retained).
Molecular consequence: synonymous variant.
Genome position (GRCh38, 1-based): chr17:7,910,591, G>A. VCF-style: chr17-7910591-G-A. GRCh37 (hg19) VCF-style: chr17-7813909-G-A.
Other names: c.5931G>A, p.Pro1977= (NM_001005271.3); c.5652G>A, p.Pro1884= (NM_005852.4); c.5931G>A (NM_001005271.2).
Identifiers: ClinVar variation 1805163 (VCV001805163.5), dbSNP rs2545174190, ClinGen allele CA397951066.